The following is an entry in ClinVar:

ClinVar aggregate classification (germline): Uncertain significance (1 of 4 stars; one submission).

Conditions:
Cognitive impairment - coarse facies - heart defects - obesity - pulmonary involvement - short stature - skeletal dysplasia syndrome. Also called: COGNITIVE IMPAIRMENT, COARSE FACIES, HEART DEFECTS, OBESITY, PULMONARY INVOLVEMENT, SHORT STATURE, AND SKELETAL DYSPLASIA; Chops syndrome; AFF4-Related CHOPS Syndrome. Identifiers: Orphanet 444077, MedGen C4085597, MONDO:0014609, OMIM 616368.

gnomAD v4.1: 1 of 1,611,332 alleles (0.000062%); highest among the groups gnomAD compares: Non-Finnish European, 0.000085%; no homozygotes.

Submission:

Labcorp Genetics (formerly Invitae), Labcorp
Classification: Uncertain significance for Cognitive impairment - coarse facies - heart defects - obesity - pulmonary involvement - short stature - skeletal dysplasia syndrome. Last evaluated: 2023-08-07. Review status: criteria provided, single submitter. Criteria: Invitae Variant Classification Sherloc (09022015). Collection method: clinical testing. Allele origin: germline.
Comment: In summary, the available evidence is currently insufficient to determine the role of this variant in disease. Therefore, it has been classified as a Variant of Uncertain Significance. Advanced modeling of protein sequence and biophysical properties (such as structural, functional, and spatial information, amino acid conservation, physicochemical variation, residue mobility, and thermodynamic stability) performed at Invitae indicates that this missense variant is expected to disrupt AFF4 protein function. This variant has not been reported in the literature in individuals affected with AFF4-related conditions. This variant is not present in population databases (gnomAD no frequency). This sequence change replaces leucine, which is neutral and non-polar, with valine, which is neutral and non-polar, at codon 331 of the AFF4 protein (p.Leu331Val).

NM_014423.4(AFF4):c.991C>G (p.Leu331Val)

Gene: AFF4 (ALF transcription elongation factor 4; minus strand). Cytogenetic location: 5q31.1.
Variant type: single nucleotide variant.
Coding change: c.991C>G on transcript NM_014423.4 (MANE Select); coding-DNA position 991, C replaced by G.
Protein change: p.Leu331Val; replaces leucine 331 with valine.
Molecular consequence: missense variant.
Genome position (GRCh38, 1-based): chr5:132,927,180, G>C on the plus strand (C>G on the coding strand, the complement: AFF4 is on the minus strand). VCF-style: chr5-132927180-G-C. GRCh37 (hg19) VCF-style: chr5-132262872-G-C.
Other names: short protein forms L331V.
Identifiers: ClinVar variation 2961721 (VCV002961721.3), dbSNP rs1761192157, ClinGen allele CA360952923.